The following is an entry in ClinVar:

NM_012062.5(DNM1L):c.250+3A>G

Gene: DNM1L (dynamin 1L; plus strand). Cytogenetic location: 12p11.21.
Variant type: single nucleotide variant.
Coding change: c.250+3A>G on transcript NM_012062.5 (MANE Select); 3 bases into the intron after coding-DNA position 250, A replaced by G.
Molecular consequence: intron variant.
Genome position (GRCh38, 1-based): chr12:32,701,565, A>G. VCF-style: chr12-32701565-A-G. GRCh37 (hg19) VCF-style: chr12-32854499-A-G.
Other names: c.250+3A>G (NM_012062.4, NM_001278464.2, NM_001278465.2 and 4 more transcripts); c.45+3A>G (NM_001278466.2).
Identifiers: ClinVar variation 1398101 (VCV001398101.6), dbSNP rs751892495, ClinGen allele CA6507249.

ClinVar aggregate classification (germline): Conflicting classifications of pathogenicity. Review status: criteria provided, conflicting classifications (1 of 4 stars). 2 submissions from 2 submitters: Uncertain significance (1); Likely benign (1). Last evaluated 2025-06-27.

Conditions:
DNM1L-related disorder. Also called: DNM1L-related condition.

Allele frequency attached by ClinVar (database versions not stated): gnomAD exomes 0.00001 and 0.00004; ExAC 0.00002; gnomAD 0.00002; TOPMed 0.00003.
gnomAD v4.1: 17 of 1,611,446 alleles (0.0011%); highest among the groups gnomAD compares: Admixed American, 0.017%; no homozygotes.

Submissions (2):

PreventionGenetics, part of Exact Sciences
Classification: Likely benign for DNM1L-related condition. Last evaluated: 2025-06-27. Review status: criteria provided, single submitter. Criteria: ACMG Guidelines, 2015. Collection method: clinical testing. Allele origin: germline.
Comment: This variant is classified as likely benign based on ACMG/AMP sequence variant interpretation guidelines (Richards et al. 2015 PMID: 25741868, with internal and published modifications).

Labcorp Genetics (formerly Invitae), Labcorp
Classification: Uncertain significance. Last evaluated: 2024-12-03. Review status: criteria provided, single submitter. Criteria: Invitae Variant Classification Sherloc (09022015). Collection method: clinical testing. Allele origin: germline.
Comment: This sequence change falls in intron 2 of the DNM1L gene. It does not directly change the encoded amino acid sequence of the DNM1L protein. It affects a nucleotide within the consensus splice site. This variant is present in population databases (rs751892495, gnomAD 0.02%). This variant has not been reported in the literature in individuals affected with DNM1L-related conditions. ClinVar contains an entry for this variant (Variation ID: 1398101). Variants that disrupt the consensus splice site are a relatively common cause of aberrant splicing (PMID: 17576681, 9536098). Algorithms developed to predict the effect of sequence changes on RNA splicing suggest that this variant is not likely to affect RNA splicing. In summary, the available evidence is currently insufficient to determine the role of this variant in disease. Therefore, it has been classified as a Variant of Uncertain Significance.

Literature cited by the submitters: PubMed 17576681 (cited by Labcorp Genetics (formerly Invitae), Labcorp); PubMed 9536098 (cited by Labcorp Genetics (formerly Invitae), Labcorp).